The following is an entry in ClinVar:

NM_032043.3(BRIP1):c.1734del (p.Lys578fs)

Gene: BRIP1 (BRCA1 interacting DNA helicase 1; minus strand). Cytogenetic location: 17q23.2.
Variant type: Deletion.
Coding change: c.1734del on transcript NM_032043.3 (MANE Select); coding-DNA position 1734, one base deleted (A; older notation c.1734delA).
Protein change: p.Lys578fs; shifts the reading frame from lysine 578.
Molecular consequence: frameshift variant.
Genome position (GRCh38, 1-based): chr17:61,780,900, T deleted on the plus strand (A on the coding strand, the reverse complement: BRIP1 is on the minus strand); the first of 3 consecutive T bases (chr17:61,780,900-61,780,902); deleting any one gives the same sequence. VCF-style (leftmost placement, unchanged base first): chr17-61780899-GT-G. GRCh37 (hg19) VCF-style: chr17-59858260-GT-G.
Other names: short protein forms K578fs.
Identifiers: ClinVar variation 2583436 (VCV002583436.2), dbSNP rs2545028503, ClinGen allele CA2582342279.

ClinVar aggregate classification (germline): Pathogenic (1 of 4 stars; one submission).

Conditions:
Familial cancer of breast. Also called: Hereditary breast cancer; BREAST CANCER, FAMILIAL; hereditary breast carcinoma. Identifiers: Orphanet 227535, MedGen C0346153, MONDO:0016419, OMIM 114480. Disease mechanism: loss of function.

Submission:

Myriad Genetics, Inc.
Classification: Pathogenic for Familial cancer of breast. Last evaluated: 2023-06-05. Review status: criteria provided, single submitter. Criteria: Myriad Autosomal Dominant, Autosomal Recessive and X-Linked Classification Criteria (2023). Collection method: clinical testing. Allele origin: unknown.
Comment: This variant is considered pathogenic. This variant creates a frameshift predicted to result in premature protein truncation.